The following is an entry in ClinVar:

NM_198253.3(TERT):c.2141C>A (p.Thr714Lys)

Gene: TERT (telomerase reverse transcriptase; minus strand). Cytogenetic location: 5p15.33.
Variant type: single nucleotide variant.
Coding change: c.2141C>A on transcript NM_198253.3 (MANE Select); coding-DNA position 2141, C replaced by A.
Protein change: p.Thr714Lys; replaces threonine 714 with lysine.
Molecular consequence: missense variant. On other transcripts: non-coding transcript variant (1).
Genome position (GRCh38, 1-based): chr5:1,278,786, G>T on the plus strand (C>A on the coding strand, the complement: TERT is on the minus strand). VCF-style: chr5-1278786-G-T. GRCh37 (hg19) VCF-style: chr5-1278901-G-T.
Other names: c.2141C>A, p.Thr714Lys (NM_001193376.3, NM_003219.1); short protein forms T714K.
Identifiers: ClinVar variation 1963328 (VCV001963328.5), dbSNP rs772441504, ClinGen allele CA359079717.

ClinVar aggregate classification (germline): Uncertain significance (1 of 4 stars; one submission).

Conditions:
Dyskeratosis congenita, autosomal dominant 2. Identifiers: MedGen C3151443, MONDO:0013521, OMIM 613989.
Idiopathic Pulmonary Fibrosis. Also called: Idiopathic fibrosing alveolitis, chronic form; idiopathic fibrosing alveolitis. Identifiers: Orphanet 2032, MedGen C1800706, MeSH D054990, MONDO:0800504.

Submission:

Labcorp Genetics (formerly Invitae), Labcorp
Classification: Uncertain significance for Dyskeratosis congenita, autosomal dominant 2; Idiopathic Pulmonary Fibrosis. Last evaluated: 2022-10-13. Review status: criteria provided, single submitter. Criteria: Invitae Variant Classification Sherloc (09022015). Collection method: clinical testing. Allele origin: germline.
Comment: This sequence change replaces threonine, which is neutral and polar, with lysine, which is basic and polar, at codon 714 of the TERT protein (p.Thr714Lys). In summary, the available evidence is currently insufficient to determine the role of this variant in disease. Therefore, it has been classified as a Variant of Uncertain Significance. Algorithms developed to predict the effect of missense changes on protein structure and function (SIFT, PolyPhen-2, Align-GVGD) all suggest that this variant is likely to be tolerated. This variant has not been reported in the literature in individuals affected with TERT-related conditions. This variant is not present in population databases (gnomAD no frequency).